The following is an entry in ClinVar:

NM_006254.4(PRKCD):c.571+51G>A

Gene: PRKCD (protein kinase C delta; plus strand). Cytogenetic location: 3p21.1.
Variant type: single nucleotide variant.
Coding change: c.571+51G>A on transcript NM_006254.4 (MANE Select); 51 bases into the intron after coding-DNA position 571, G replaced by A.
Molecular consequence: intron variant.
Genome position (GRCh38, 1-based): chr3:53,181,783, G>A. VCF-style: chr3-53181783-G-A. GRCh37 (hg19) VCF-style: chr3-53215799-G-A.
Other names: c.571+51G>A (NM_001354680.2, NM_001354679.2, NM_212539.2 and 1 more transcripts); c.628+51G>A (NM_001354676.2); c.619+51G>A (NM_001354678.2).
Identifiers: ClinVar variation 1221591 (VCV001221591.6), dbSNP rs7630325, ClinGen allele CA2451841.
Genomic context (GRCh38, chr3:53,181,783, plus strand): 5'-AAATGCAGGCGTAAGTGTCTCCACAGGCCAGTTTGTACGTATGTACCCATGTGTGCTCAC[G>A]TGTGCCAGTGCCTGTGTGTATGCCAGTGCCTGTGTGCGCTCAGAGAGTGTATGCACGTGA-3'

ClinVar aggregate classification (germline): Benign. Review status: criteria provided, multiple submitters, no conflicts (2 of 4 stars). 3 submissions from 3 submitters: Benign (3). Last evaluated 2023-11-12.

Allele frequency attached by ClinVar (database versions not stated): ESP Exome Variant Server 0.13186; gnomAD 0.13947 and 0.14069; TOPMed 0.14501; gnomAD exomes 0.15177; 1000 Genomes Project 30x 0.15865; 1000 Genomes Project 0.16074; ExAC 0.16354.
gnomAD v4.1: 236,101 of 1,612,382 alleles (15%); highest among the groups gnomAD compares: East Asian, 19%; 17,645 homozygotes.

Submissions (3):

Unidad de Genómica Garrahan, Hospital de Pediatría Garrahan
Classification: Benign. Last evaluated: 2023-11-12. Review status: criteria provided, single submitter. Criteria: ACMG Guidelines, 2015. Collection method: clinical testing. Allele origin: germline. Affected: no. Observed: 32 variant alleles.
Comment: This variant is classified as Benign based on local population frequency. This variant was detected in 33% of patients studied by a panel of primary immunodeficiencies. Number of patients: 32. Only high quality variants are reported.

GeneDx
Classification: Benign. Last evaluated: 2021-05-14. Review status: criteria provided, single submitter. Criteria: GeneDx Variant Classification Process June 2021. Collection method: clinical testing. Allele origin: germline. Affected: yes.

Breakthrough Genomics
Classification: Benign. Review status: criteria provided, single submitter. Criteria: ACMG Guidelines, 2015. Collection method: not provided. Allele origin: germline. Inheritance: Autosomal recessive inheritance. Affected: yes.